The following is an entry in ClinVar:

NM_000260.4(MYO7A):c.3384G>C (p.Lys1128Asn)

Gene: MYO7A (myosin VIIA; plus strand). Cytogenetic location: 11q13.5.
Variant type: single nucleotide variant.
Coding change: c.3384G>C on transcript NM_000260.4 (MANE Select); coding-DNA position 3384, G replaced by C.
Protein change: p.Lys1128Asn; replaces lysine 1128 with asparagine.
Molecular consequence: missense variant.
Genome position (GRCh38, 1-based): chr11:77,184,596, G>C. VCF-style: chr11-77184596-G-C. GRCh37 (hg19) VCF-style: chr11-76895641-G-C.
Other names: c.3384G>C, p.Lys1128Asn (NM_001127180.2); c.3351G>C, p.Lys1117Asn (NM_001369365.1); short protein forms K1128N, K1117N.
Identifiers: ClinVar variation 666884 (VCV000666884.13), dbSNP rs372050452, ClinGen allele CA6198053.

ClinVar aggregate classification (germline): Conflicting classifications of pathogenicity. Review status: criteria provided, conflicting classifications (1 of 4 stars). 5 submissions from 5 submitters: Uncertain significance (3); Likely benign (1). 1 of the submissions does not count toward it. Last evaluated 2026-01-06.

Conditions:
Inborn genetic diseases. Identifiers: MedGen C0950123, MeSH D030342.
Usher syndrome type 1B (USH1B). Also called: Usher syndrome type IB. Identifiers: MedGen C1848638, MONDO:0700087.

Allele frequency attached by ClinVar (database versions not stated): ExAC 0.00004; ESP Exome Variant Server 0.00008; gnomAD 0.00013; TOPMed 0.00018.
gnomAD v4.1: 39 of 1,564,128 alleles (0.0025%); highest among the groups gnomAD compares: African/African-American, 0.052%; no homozygotes.

Submissions (5):

Labcorp Genetics (formerly Invitae), Labcorp
Classification: Likely benign. Last evaluated: 2026-01-06. Review status: criteria provided, single submitter. Criteria: Invitae Variant Classification Sherloc (09022015). Collection method: clinical testing. Allele origin: germline.

Blueprint Genetics
Classification: Uncertain significance. Last evaluated: 2023-06-21. Review status: criteria provided, single submitter. Criteria: ACMG Guidelines, 2015. Collection method: clinical testing. Allele origin: germline.

Ambry Genetics
Classification: Uncertain significance for Inborn genetic diseases. Last evaluated: 2021-09-17. Review status: criteria provided, single submitter. Criteria: Ambry Variant Classification Scheme 2023. Collection method: clinical testing. Allele origin: germline.

Laboratory for Molecular Medicine, Mass General Brigham Personalized Medicine
Classification: Uncertain significance. Last evaluated: 2018-10-24. Review status: criteria provided, single submitter. Criteria: LMM Criteria. Collection method: clinical testing. Allele origin: germline. Observed: 1 variant allele.
Comment: The p.Lys1128Asn variant in MYO7A has not been previously reported in individual s with hearing loss or Usher syndrome but has been identified in 0.05% (10/18068 ) of African chromosomes by the Genome Aggregation Database (gnomAD). Computational prediction tools and conservation analysi s do not provide strong support for or against an impact to the protein. In summ ary, the clinical significance of the p.Lys1128Asn variant is uncertain. ACMG/AM P Criteria applied: PM2_Supporting.

Natera, Inc.
Classification: Uncertain significance for Usher syndrome type 1B. Last evaluated: 2020-09-16. Review status: no assertion criteria provided. Collection method: clinical testing. Allele origin: germline. Not counted in ClinVar's aggregate classification.